The following is an entry in ClinVar:

NM_001017995.3(SH3PXD2B):c.*957C>T

Gene: SH3PXD2B (SH3 and PX domains 2B; minus strand). Cytogenetic location: 5q35.1.
Variant type: single nucleotide variant.
Coding change: c.*957C>T on transcript NM_001017995.3 (MANE Select); 957 bases downstream of the stop codon, C replaced by T.
Molecular consequence: 3 prime UTR variant. On other transcripts: intron variant (1).
Genome position (GRCh38, 1-based): chr5:172,337,412, G>A on the plus strand (C>T on the coding strand, the complement: SH3PXD2B is on the minus strand). VCF-style: chr5-172337412-G-A. GRCh37 (hg19) VCF-style: chr5-171764416-G-A.
Other names: c.1188+8724C>T (NM_001308175.2).
Identifiers: ClinVar variation 352781 (VCV000352781.5), dbSNP rs79360524, ClinGen allele CA10621298.

ClinVar aggregate classification (germline): Likely benign (1 of 4 stars; one submission).

Conditions:
Frank-Ter Haar syndrome. Also called: BORRONE DERMATOCARDIOSKELETAL SYNDROME; TER HAAR SYNDROME; MELNICK-NEEDLES SYNDROME, AUTOSOMAL RECESSIVE; Borrone di Rocco Crovato syndrome. Identifiers: Orphanet 1266, Orphanet 137834, MedGen C1855305, MONDO:0009579, OMIM 249420.

Allele frequency attached by ClinVar (database versions not stated): gnomAD 0.00161 and 0.00167; TOPMed 0.00198; 1000 Genomes Project 0.00200; 1000 Genomes Project 30x 0.00265.
gnomAD v4.1: 349 of 978,962 alleles (0.036%); highest among the groups gnomAD compares: African/African-American, 0.49%; 2 homozygotes.

Submission:

Illumina Laboratory Services, Illumina
Classification: Likely benign for Frank-Ter Haar syndrome. Last evaluated: 2018-01-13. Review status: criteria provided, single submitter. Criteria: ICSL Variant Classification Criteria 13 December 2019. Collection method: clinical testing. Allele origin: germline.
Comment: This variant was observed in the ICSL laboratory as part of a predisposition screen in an ostensibly healthy population. It had not been previously curated by ICSL or reported in the Human Gene Mutation Database (HGMD: prior to June 1st, 2018), and was therefore a candidate for classification through an automated scoring system. Utilizing variant allele frequency, disease prevalence and penetrance estimates, and inheritance mode, an automated score was calculated to assess if this variant is too frequent to cause the disease. Based on the score and internal cut-off values, a variant classified as likely benign is not then subjected to further curation. The score for this variant resulted in a classification of likely benign for this disease.